The following is an entry in ClinVar:

ClinVar aggregate classification (germline): Uncertain significance (1 of 4 stars; one submission).

Submission:

Labcorp Genetics (formerly Invitae), Labcorp
Classification: Uncertain significance. Last evaluated: 2025-04-02. Review status: criteria provided, single submitter. Criteria: Invitae Variant Classification Sherloc (09022015). Collection method: clinical testing. Allele origin: germline.
Comment: This sequence change replaces valine, which is neutral and non-polar, with glutamic acid, which is acidic and polar, at codon 191 of the RNF13 protein (p.Val191Glu). This variant is not present in population databases (gnomAD no frequency). This variant has not been reported in the literature in individuals affected with RNF13-related conditions. ClinVar contains an entry for this variant (Variation ID: 1523607). Invitae Evidence Modeling of protein sequence and biophysical properties (such as structural, functional, and spatial information, amino acid conservation, physicochemical variation, residue mobility, and thermodynamic stability) indicates that this missense variant is expected to disrupt RNF13 protein function with a positive predictive value of 80%. In summary, the available evidence is currently insufficient to determine the role of this variant in disease. Therefore, it has been classified as a Variant of Uncertain Significance.

NM_183381.3(RNF13):c.572T>A (p.Val191Glu)

Gene: RNF13 (ring finger protein 13; plus strand). Cytogenetic location: 3q25.1.
Variant type: single nucleotide variant.
Coding change: c.572T>A on transcript NM_183381.3 (MANE Select); coding-DNA position 572, T replaced by A.
Protein change: p.Val191Glu; replaces valine 191 with glutamic acid.
Molecular consequence: missense variant. On other transcripts: non-coding transcript variant (1).
Genome position (GRCh38, 1-based): chr3:149,912,049, T>A. VCF-style: chr3-149912049-T-A. GRCh37 (hg19) VCF-style: chr3-149629836-T-A.
Other names: c.572T>A, p.Val191Glu (NM_001378285.1, NM_001378286.1, NM_007282.4); c.215T>A, p.Val72Glu (NM_001378287.1, NM_001378288.1, NM_001378289.1 and 2 more transcripts); c.179T>A, p.Val60Glu (NM_001378291.1); short protein forms V191E, V72E, V60E.
Identifiers: ClinVar variation 1523607 (VCV001523607.8), dbSNP rs2108518590, ClinGen allele CA355011387.